The following is an entry in ClinVar:

NM_015102.5(NPHP4):c.3998C>G (p.Ala1333Gly)

Gene: NPHP4 (nephrocystin 4; minus strand). Cytogenetic location: 1p36.31.
Variant type: single nucleotide variant.
Coding change: c.3998C>G on transcript NM_015102.5 (MANE Select); coding-DNA position 3998, C replaced by G.
Protein change: p.Ala1333Gly; replaces alanine 1333 with glycine.
Molecular consequence: missense variant. On other transcripts: non-coding transcript variant (1).
Genome position (GRCh38, 1-based): chr1:5,864,032, G>C on the plus strand (C>G on the coding strand, the complement: NPHP4 is on the minus strand). VCF-style: chr1-5864032-G-C. GRCh37 (hg19) VCF-style: chr1-5924092-G-C.
Other names: c.2459C>G, p.Ala820Gly (NM_001291593.2); c.2462C>G, p.Ala821Gly (NM_001291594.2); short protein forms A1333G, A820G, A821G.
Identifiers: ClinVar variation 1431959 (VCV001431959.8), dbSNP rs2100375514, ClinGen allele CA338049325.

ClinVar aggregate classification (germline): Uncertain significance (1 of 4 stars; one submission).

Conditions:
Nephronophthisis. Also called: Juvenile Nephronophthisis. Identifiers: Orphanet 655, MedGen C0687120, MONDO:0019005, HP:0000090.

Submission:

Labcorp Genetics (formerly Invitae), Labcorp
Classification: Uncertain significance for Nephronophthisis. Last evaluated: 2024-10-16. Review status: criteria provided, single submitter. Criteria: Invitae Variant Classification Sherloc (09022015). Collection method: clinical testing. Allele origin: germline.
Comment: This sequence change replaces alanine, which is neutral and non-polar, with glycine, which is neutral and non-polar, at codon 1333 of the NPHP4 protein (p.Ala1333Gly). This variant is not present in population databases (gnomAD no frequency). This variant has not been reported in the literature in individuals affected with NPHP4-related conditions. ClinVar contains an entry for this variant (Variation ID: 1431959). An algorithm developed to predict the effect of missense changes on protein structure and function (PolyPhen-2) suggests that this variant is likely to be disruptive. In summary, the available evidence is currently insufficient to determine the role of this variant in disease. Therefore, it has been classified as a Variant of Uncertain Significance.